The following is an entry in ClinVar:

ClinVar aggregate classification (germline): Uncertain significance (1 of 4 stars; one submission).

Submission:

Labcorp Genetics (formerly Invitae), Labcorp
Classification: Uncertain significance. Last evaluated: 2025-07-23. Review status: criteria provided, single submitter. Criteria: Invitae Variant Classification Sherloc (09022015). Collection method: clinical testing. Allele origin: germline.
Comment: This sequence change replaces alanine, which is neutral and non-polar, with threonine, which is neutral and polar, at codon 785 of the GRIN2D protein (p.Ala785Thr). This variant is not present in population databases (gnomAD no frequency). This variant has not been reported in the literature in individuals affected with GRIN2D-related conditions. ClinVar contains an entry for this variant (Variation ID: 1896264). Invitae Evidence Modeling of protein sequence and biophysical properties (such as structural, functional, and spatial information, amino acid conservation, physicochemical variation, residue mobility, and thermodynamic stability) indicates that this missense variant is not expected to disrupt GRIN2D protein function with a negative predictive value of 80%. In summary, the available evidence is currently insufficient to determine the role of this variant in disease. Therefore, it has been classified as a Variant of Uncertain Significance.

NM_000836.4(GRIN2D):c.2353G>A (p.Ala785Thr)

Gene: GRIN2D (glutamate ionotropic receptor NMDA type subunit 2D; plus strand). Cytogenetic location: 19q13.33.
Variant type: single nucleotide variant.
Coding change: c.2353G>A on transcript NM_000836.4 (MANE Select); coding-DNA position 2353, G replaced by A.
Protein change: p.Ala785Thr; replaces alanine 785 with threonine.
Molecular consequence: missense variant.
Genome position (GRCh38, 1-based): chr19:48,441,869, G>A. VCF-style: chr19-48441869-G-A. GRCh37 (hg19) VCF-style: chr19-48945126-G-A.
Other names: short protein forms A785T.
Identifiers: ClinVar variation 1896264 (VCV001896264.5), dbSNP rs1971296568, ClinGen allele CA406669786.